The following is an entry in ClinVar:

ClinVar aggregate classification (germline): Uncertain significance. Review status: criteria provided, multiple submitters, no conflicts (2 of 4 stars). 2 submissions from 2 submitters: Uncertain significance (2). Last evaluated 2026-04-22.

Conditions:
Inborn genetic diseases. Identifiers: MedGen C0950123, MeSH D030342.

Allele frequency attached by ClinVar (database versions not stated): TOPMed below 0.00001; ExAC 0.00001.
gnomAD v4.1: 8 of 1,614,092 alleles (0.0005%); highest among the groups gnomAD compares: Non-Finnish European, 0.00068%; no homozygotes.

Submissions (2):

Ambry Genetics
Classification: Uncertain significance for Inborn genetic diseases. Last evaluated: 2026-04-22. Review status: criteria provided, single submitter. Criteria: Ambry Variant Classification Scheme 2023. Collection method: clinical testing. Allele origin: germline.

Labcorp Genetics (formerly Invitae), Labcorp
Classification: Uncertain significance. Last evaluated: 2024-04-10. Review status: criteria provided, single submitter. Criteria: Invitae Variant Classification Sherloc (09022015). Collection method: clinical testing. Allele origin: germline.
Comment: This sequence change replaces alanine, which is neutral and non-polar, with glutamic acid, which is acidic and polar, at codon 1702 of the GPR179 protein (p.Ala1702Glu). This variant is present in population databases (rs780478953, gnomAD 0.0009%). This variant has not been reported in the literature in individuals affected with GPR179-related conditions. ClinVar contains an entry for this variant (Variation ID: 1927709). An algorithm developed to predict the effect of missense changes on protein structure and function (PolyPhen-2) suggests that this variant is likely to be disruptive. In summary, the available evidence is currently insufficient to determine the role of this variant in disease. Therefore, it has been classified as a Variant of Uncertain Significance.

NM_001004334.4(GPR179):c.5105C>A (p.Ala1702Glu)

Gene: GPR179 (G protein-coupled receptor 179; minus strand). Cytogenetic location: 17q12.
Variant type: single nucleotide variant.
Coding change: c.5105C>A on transcript NM_001004334.4 (MANE Select); coding-DNA position 5105, C replaced by A.
Protein change: p.Ala1702Glu; replaces alanine 1702 with glutamic acid.
Molecular consequence: missense variant.
Genome position (GRCh38, 1-based): chr17:38,328,464, G>T on the plus strand (C>A on the coding strand, the complement: GPR179 is on the minus strand). VCF-style: chr17-38328464-G-T. GRCh37 (hg19) VCF-style: chr17-36484347-G-T.
Other names: c.5105C>A (NM_001004334.2); short protein forms A1702E.
Identifiers: ClinVar variation 1927709 (VCV001927709.6), dbSNP rs780478953, ClinGen allele CA290103755.